The following is an entry in ClinVar:

NM_001035.3(RYR2):c.11776G>T (p.Gly3926Cys)

Gene: RYR2 (ryanodine receptor 2; plus strand). Cytogenetic location: 1q43.
Variant type: single nucleotide variant.
Coding change: c.11776G>T on transcript NM_001035.3 (MANE Select); coding-DNA position 11776, G replaced by T.
Protein change: p.Gly3926Cys; replaces glycine 3926 with cysteine.
Molecular consequence: missense variant.
Genome position (GRCh38, 1-based): chr1:237,778,666, G>T. VCF-style: chr1-237778666-G-T. GRCh37 (hg19) VCF-style: chr1-237941966-G-T.
Other names: short protein forms G3926C.
Identifiers: ClinVar variation 1315660 (VCV001315660.2), dbSNP rs2149335271, ClinGen allele CA345408952.
Genomic context (GRCh38, chr1:237,778,666, plus strand): 5'-CAGTTTGTTTTGGCAAATAAATTATGAGGAATAATTGCCGTTTGTCTGTTTATGCTCCAG[G>T]GTCCTTGCACTGGGAATCAACAGAGTTTGGCACACAGCAGGCTGTGGGATGCTGTGGTCG-3'
Protein context (NP_001026.2, residues 3916-3936): VFNTLTEYIQ[Gly3926Cys]PCTGNQQSLA

ClinVar aggregate classification (germline): Uncertain significance (1 of 4 stars; one submission).

Submission:

GeneDx
Classification: Uncertain significance. Last evaluated: 2020-11-11. Review status: criteria provided, single submitter. Criteria: GeneDx Variant Classification Process June 2021. Collection method: clinical testing. Allele origin: germline. Affected: yes.
Comment: Not observed in large population cohorts (Lek et al., 2016); In addition, in silico splice predictors suggest this variant may lead to abnormal gene splicing. In the absence of RNA/functional studies, the actual effect of this sequence change is unknown.; In silico analysis supports that this missense variant has a deleterious effect on protein structure/function; Has not been previously published as pathogenic or benign to our knowledge